The following is an entry in ClinVar:

ClinVar aggregate classification (germline): Uncertain significance. Review status: criteria provided, multiple submitters, no conflicts (2 of 4 stars). 2 submissions from 2 submitters: Uncertain significance (2). Last evaluated 2025-05-25.

Conditions:
Hereditary cancer-predisposing syndrome. Also called: Neoplastic Syndromes, Hereditary; Hereditary Cancer Syndrome; Tumor predisposition; Hereditary neoplastic syndrome. Identifiers: Orphanet 140162, MedGen C0027672, MeSH D009386, MONDO:0015356.
Neuroblastoma, susceptibility to, 3. Also called: ALK-Related Neuroblastic Tumor Susceptibility. Identifiers: Orphanet 635, MedGen C2751681, MONDO:0013083, OMIM 613014.

Allele frequency attached by ClinVar (database versions not stated): gnomAD exomes below 0.00001 and 0.00001.
gnomAD v4.1: 15 of 1,614,088 alleles (0.00093%); highest among the groups gnomAD compares: Non-Finnish European, 0.0013%; no homozygotes.

Submissions (2):

Ambry Genetics
Classification: Uncertain significance for Hereditary cancer-predisposing syndrome. Last evaluated: 2025-05-25. Review status: criteria provided, single submitter. Criteria: Ambry Variant Classification Scheme 2023. Collection method: clinical testing. Allele origin: germline.
Comment: The p.D769V variant (also known as c.2306A>T), located in coding exon 13 of the ALK gene, results from an A to T substitution at nucleotide position 2306. The aspartic acid at codon 769 is replaced by valine, an amino acid with highly dissimilar properties. This amino acid position is not well conserved in available vertebrate species. In addition, the in silico prediction for this alteration is inconclusive. Based on the available evidence, the clinical significance of this variant remains unclear.

Labcorp Genetics (formerly Invitae), Labcorp
Classification: Uncertain significance for Neuroblastoma, susceptibility to, 3. Last evaluated: 2024-03-14. Review status: criteria provided, single submitter. Criteria: Invitae Variant Classification Sherloc (09022015). Collection method: clinical testing. Allele origin: germline.
Comment: This sequence change replaces aspartic acid, which is acidic and polar, with valine, which is neutral and non-polar, at codon 769 of the ALK protein (p.Asp769Val). This variant is present in population databases (no rsID available, gnomAD 0.0009%). This variant has not been reported in the literature in individuals affected with ALK-related conditions. ClinVar contains an entry for this variant (Variation ID: 1440505). An algorithm developed to predict the effect of missense changes on protein structure and function (PolyPhen-2) suggests that this variant is likely to be disruptive. In summary, the available evidence is currently insufficient to determine the role of this variant in disease. Therefore, it has been classified as a Variant of Uncertain Significance.

NM_004304.5(ALK):c.2306A>T (p.Asp769Val)

Gene: ALK (ALK receptor tyrosine kinase; minus strand). Cytogenetic location: 2p23.2.
Variant type: single nucleotide variant.
Coding change: c.2306A>T on transcript NM_004304.5 (MANE Select); coding-DNA position 2306, A replaced by T.
Protein change: p.Asp769Val; replaces aspartic acid 769 with valine.
Molecular consequence: missense variant.
Genome position (GRCh38, 1-based): chr2:29,239,729, T>A on the plus strand (A>T on the coding strand, the complement: ALK is on the minus strand). VCF-style: chr2-29239729-T-A. GRCh37 (hg19) VCF-style: chr2-29462595-T-A.
Other names: c.2306A>T (NM_004304.4); short protein forms D769V.
Identifiers: ClinVar variation 1440505 (VCV001440505.9), dbSNP rs1205473928, ClinGen allele CA346474378.
Genomic context (GRCh38, chr2:29,239,729, plus strand): 5'-TGGGCACTTACACTGGGGCAGGCGTCCTCTCCCTGCTGCCCAACCAGGATGTACAGCATG[T>A]CATCCTTCTCCAGGTTGAAGATGCCCAGCACAGACACGCCGTGGGACCGCATCATGGTGT-3'
Protein context (NP_004295.2, residues 759-779): VLGIFNLEKD[Asp769Val]MLYILVGQQG